The following is an entry in ClinVar:

NM_004646.4(NPHS1):c.827_833dup (p.Trp278fs)

Gene: NPHS1 (NPHS1 adhesion molecule, nephrin; minus strand). Cytogenetic location: 19q13.12.
Variant type: Duplication.
Coding change: c.827_833dup on transcript NM_004646.4 (MANE Select); coding-DNA positions 827 to 833, 7 bases duplicated (TGCAGTG; older notation c.827_833dupTGCAGTG).
Protein change: p.Trp278fs; shifts the reading frame from tryptophan 278.
Molecular consequence: frameshift variant.
Genome position (GRCh38, 1-based): chr19:35,849,243-35,849,249, CACTGCA duplicated on the plus strand (TGCAGTG on the coding strand, the reverse complement: NPHS1 is on the minus strand). VCF-style (leftmost placement, unchanged base first): chr19-35849242-C-CCACTGCA. GRCh37 (hg19) VCF-style: chr19-36340144-C-CCACTGCA.
Other names: short protein forms W278fs.
Identifiers: ClinVar variation 2744296 (VCV002744296.3), dbSNP rs2513779127, ClinGen allele CA2697556481.

ClinVar aggregate classification (germline): Pathogenic (1 of 4 stars; one submission).

Submission:

Labcorp Genetics (formerly Invitae), Labcorp
Classification: Pathogenic. Last evaluated: 2023-07-17. Review status: criteria provided, single submitter. Criteria: Invitae Variant Classification Sherloc (09022015). Collection method: clinical testing. Allele origin: germline.
Comment: For these reasons, this variant has been classified as Pathogenic. This variant has not been reported in the literature in individuals affected with NPHS1-related conditions. This variant is not present in population databases (gnomAD no frequency). This sequence change creates a premature translational stop signal (p.Trp278Cysfs*66) in the NPHS1 gene. It is expected to result in an absent or disrupted protein product. Loss-of-function variants in NPHS1 are known to be pathogenic (PMID: 11317351, 11854170, 12039988).

Literature cited by the submitters: PubMed 11317351; PubMed 11854170; PubMed 12039988.